The following is an entry in ClinVar:

NM_015100.4(POGZ):c.2235-3C>G

Gene: POGZ (pogo transposable element derived with ZNF domain; minus strand). Cytogenetic location: 1q21.3.
Variant type: single nucleotide variant.
Coding change: c.2235-3C>G on transcript NM_015100.4 (MANE Select); 3 bases into the intron before coding-DNA position 2235, C replaced by G.
Molecular consequence: intron variant.
Genome position (GRCh38, 1-based): chr1:151,408,243, G>C on the plus strand (C>G on the coding strand, the complement: POGZ is on the minus strand). VCF-style: chr1-151408243-G-C. GRCh37 (hg19) VCF-style: chr1-151380719-G-C.
Other names: c.2049-3C>G (NM_001194938.2); c.1950-3C>G (NM_145796.4); c.2208-3C>G (NM_001194937.2); c.2256-3C>G (NM_001410860.1); c.2076-3C>G (NM_207171.2).
Identifiers: ClinVar variation 4086343 (VCV004086343.1).

ClinVar aggregate classification (germline): Uncertain significance (1 of 4 stars; one submission).

Submission:

GeneDx
Classification: Uncertain significance. Last evaluated: 2025-03-21. Review status: criteria provided, single submitter. Criteria: GeneDx Variant Classification Process June 2021. Collection method: clinical testing. Allele origin: germline. Affected: yes.
Comment: Not observed at significant frequency in large population cohorts (gnomAD); In silico analysis supports a deleterious effect on splicing; Has not been previously published as pathogenic or benign to our knowledge